The following is an entry in ClinVar:

ClinVar aggregate classification (germline): Likely benign. Review status: criteria provided, multiple submitters, no conflicts (2 of 4 stars). 3 submissions from 3 submitters: Likely benign (3). Last evaluated 2023-12-14.

Conditions:
Neuronal ceroid lipofuscinosis 1 (CLN1). Also called: PPT1-Related Neuronal Ceroid-Lipofuscinosis; CEROID LIPOFUSCINOSIS, NEURONAL, 1, VARIABLE AGE AT ONSET. Identifiers: Orphanet 228329, MedGen C1850451, MONDO:0009744, OMIM 256730.

Allele frequency attached by ClinVar (database versions not stated): ExAC 0.00001; gnomAD 0.00001; gnomAD exomes 0.00001; TOPMed 0.00001; ESP Exome Variant Server 0.00008.
gnomAD v4.1: 24 of 1,614,026 alleles (0.0015%); highest among the groups gnomAD compares: Non-Finnish European, 0.0019%; no homozygotes.

Submissions (3):

Labcorp Genetics (formerly Invitae), Labcorp
Classification: Likely benign for Neuronal ceroid lipofuscinosis 1. Last evaluated: 2023-12-14. Review status: criteria provided, single submitter. Criteria: Invitae Variant Classification Sherloc (09022015). Collection method: clinical testing. Allele origin: germline.

GeneDx
Classification: Likely benign. Last evaluated: 2017-06-21. Review status: criteria provided, single submitter. Criteria: GeneDx Variant Classification (06012015). Collection method: clinical testing. Allele origin: germline. Affected: yes.
Comment: This variant is considered likely benign or benign based on one or more of the following criteria: it is a conservative change, it occurs at a poorly conserved position in the protein, it is predicted to be benign by multiple in silico algorithms, and/or has population frequency not consistent with disease.

Breakthrough Genomics
Classification: Likely benign. Review status: criteria provided, single submitter. Criteria: ACMG Guidelines, 2015. Collection method: not provided. Allele origin: germline. Inheritance: Autosomal recessive inheritance. Affected: yes.

NM_000310.4(PPT1):c.288T>C (p.Cys96=)

Gene: PPT1 (palmitoyl-protein thioesterase 1; minus strand). Cytogenetic location: 1p34.2.
Variant type: single nucleotide variant.
Coding change: c.288T>C on transcript NM_000310.4 (MANE Select); coding-DNA position 288, T replaced by C.
Protein change: p.Cys96=; no amino-acid change (cysteine 96 retained).
Molecular consequence: synonymous variant. On other transcripts: intron variant (1).
Genome position (GRCh38, 1-based): chr1:40,092,119, A>G on the plus strand (T>C on the coding strand, the complement: PPT1 is on the minus strand). VCF-style: chr1-40092119-A-G. GRCh37 (hg19) VCF-style: chr1-40557791-A-G.
Other names: c.288T>C, p.Cys96= (NM_001363695.2); c.125-2607T>C (NM_001142604.2).
Identifiers: ClinVar variation 516505 (VCV000516505.10), dbSNP rs375820734, ClinGen allele CA789753.